The following is an entry in ClinVar:

ClinVar aggregate classification (germline): Uncertain significance (1 of 4 stars; one submission).

Submission:

Ambry Genetics
Classification: Uncertain significance. Last evaluated: 2024-03-04. Review status: criteria provided, single submitter. Criteria: Ambry Variant Classification Scheme 2023. Collection method: clinical testing. Allele origin: germline.
Comment: The p.V69F variant (also known as c.205G>T), located in coding exon 2 of the IDH1 gene, results from a G to T substitution at nucleotide position 205. The valine at codon 69 is replaced by phenylalanine, an amino acid with highly similar properties. This amino acid position is conserved. In addition, this alteration is predicted to be deleterious by in silico analysis. Based on the available evidence, the clinical significance of this alteration remains unclear.

NM_005896.4(IDH1):c.205G>T (p.Val69Phe)

Gene: IDH1 (isocitrate dehydrogenase (NADP(+)) 1; minus strand). Cytogenetic location: 2q34.
Variant type: single nucleotide variant.
Coding change: c.205G>T on transcript NM_005896.4 (MANE Select); coding-DNA position 205, G replaced by T.
Protein change: p.Val69Phe; replaces valine 69 with phenylalanine.
Molecular consequence: missense variant.
Genome position (GRCh38, 1-based): chr2:208,248,578, C>A on the plus strand (G>T on the coding strand, the complement: IDH1 is on the minus strand). VCF-style: chr2-208248578-C-A. GRCh37 (hg19) VCF-style: chr2-209113302-C-A.
Other names: c.205G>T, p.Val69Phe (NM_001282386.1, NM_001282387.1); short protein forms V69F.
Identifiers: ClinVar variation 3225133 (VCV003225133.1), dbSNP rs2124863681, ClinGen allele CA350102345.